The following is an entry in ClinVar:

NM_004370.6(COL12A1):c.1061G>A (p.Trp354Ter)

Gene: COL12A1 (collagen type XII alpha 1 chain; minus strand). Cytogenetic location: 6q13.
Variant type: single nucleotide variant.
Coding change: c.1061G>A on transcript NM_004370.6 (MANE Select); coding-DNA position 1061, G replaced by A.
Protein change: p.Trp354Ter; replaces tryptophan 354 with a stop codon.
Molecular consequence: nonsense. On other transcripts: intron variant (2).
Genome position (GRCh38, 1-based): chr6:75,184,081, C>T on the plus strand (G>A on the coding strand, the complement: COL12A1 is on the minus strand). VCF-style: chr6-75184081-C-T. GRCh37 (hg19) VCF-style: chr6-75893797-C-T.
Other names: c.1061G>A, p.Trp354Ter (NM_001424113.1, NM_001424114.1, NM_001424115.1); c.73+18639G>A (NM_001424116.1, NM_080645.3); short protein forms W354*.
Identifiers: ClinVar variation 3759638 (VCV003759638.2).

ClinVar aggregate classification (germline): Uncertain significance (1 of 4 stars; one submission).

Conditions:
Ullrich congenital muscular dystrophy 2 (UCMD2). Identifiers: Orphanet 75840, MedGen C4225314, MONDO:0014654, OMIM 616470.
Bethlem myopathy 2 (BTHLM2). Identifiers: Orphanet 536516, Orphanet 610, MedGen C4225313, MONDO:0034022, OMIM 616471.

Submission:

Labcorp Genetics (formerly Invitae), Labcorp
Classification: Uncertain significance for Bethlem myopathy 2; Ullrich congenital muscular dystrophy 2. Last evaluated: 2024-11-05. Review status: criteria provided, single submitter. Criteria: Invitae Variant Classification Sherloc (09022015). Collection method: clinical testing. Allele origin: germline.
Comment: This sequence change creates a premature translational stop signal (p.Trp354*) in the COL12A1 gene. Multiple COL12A1 isoforms have been reported, and the functional impact of this variant is uncertain (PMID: 8601036). This variant is not present in population databases (gnomAD no frequency). This variant has not been reported in the literature in individuals affected with COL12A1-related conditions. Algorithms developed to predict the effect of sequence changes on RNA splicing suggest that this variant may disrupt the consensus splice site. In summary, the available evidence is currently insufficient to determine the role of this variant in disease. Therefore, it has been classified as a Variant of Uncertain Significance.

Literature cited by the submitters: PubMed 8601036.